The following is an entry in ClinVar:

ClinVar aggregate classification (germline): Uncertain significance (1 of 4 stars; one submission).

Conditions:
Fanconi anemia (FA). Also called: Fanconi's anemia. Identifiers: Orphanet 84, MedGen C0015625, MeSH D005199, MONDO:0019391.

Allele frequency attached by ClinVar (database versions not stated): TOPMed below 0.00001; ExAC 0.00004.
gnomAD v4.1: 4 of 1,602,194 alleles (0.00025%); highest among the groups gnomAD compares: Admixed American, 0.0069%; no homozygotes.

Submission:

Labcorp Genetics (formerly Invitae), Labcorp
Classification: Uncertain significance for Fanconi anemia. Last evaluated: 2023-07-07. Review status: criteria provided, single submitter. Criteria: Invitae Variant Classification Sherloc (09022015). Collection method: clinical testing. Allele origin: germline.
Comment: This variant has not been reported in the literature in individuals affected with SLX4-related conditions. In summary, the available evidence is currently insufficient to determine the role of this variant in disease. Therefore, it has been classified as a Variant of Uncertain Significance. An algorithm developed to predict the effect of missense changes on protein structure and function (PolyPhen-2) suggests that this variant is likely to be tolerated. ClinVar contains an entry for this variant (Variation ID: 2415247). This variant is present in population databases (rs779660315, gnomAD 0.01%). This sequence change replaces arginine, which is basic and polar, with threonine, which is neutral and polar, at codon 549 of the SLX4 protein (p.Arg549Thr).

NM_032444.4(SLX4):c.1646G>C (p.Arg549Thr)

Gene: SLX4 (SLX4 structure-specific endonuclease subunit; minus strand). Cytogenetic location: 16p13.3.
Variant type: single nucleotide variant.
Coding change: c.1646G>C on transcript NM_032444.4 (MANE Select); coding-DNA position 1646, G replaced by C.
Protein change: p.Arg549Thr; replaces arginine 549 with threonine.
Molecular consequence: missense variant.
Genome position (GRCh38, 1-based): chr16:3,597,416, C>G on the plus strand (G>C on the coding strand, the complement: SLX4 is on the minus strand). VCF-style: chr16-3597416-C-G. GRCh37 (hg19) VCF-style: chr16-3647417-C-G.
Other names: short protein forms R549T.
Identifiers: ClinVar variation 2415247 (VCV002415247.5), dbSNP rs779660315, ClinGen allele CA7866464.
Genomic context (GRCh38, chr16:3,597,416, plus strand): 5'-TGTGCCTGAGGGGAGGGACTCACCTGGGCAGGCCGCTGGGGCACGAGAGGAGGGACCAGC[C>G]TGGCCGTGTAGAAGTCCTCCATGGCCCAGGCCCCAGTCAGTGCGCTGCCCTCCCACAGAA-3'
Protein context (NP_115820.2, residues 539-559): AWAMEDFYTA[Arg549Thr]LVPPLVPQRP